The following is an entry in ClinVar:

NM_001370466.1(NOD2):c.1247A>G (p.Asn416Ser)

Gene: NOD2 (nucleotide binding oligomerization domain containing 2; plus strand). Cytogenetic location: 16q12.1.
Variant type: single nucleotide variant.
Coding change: c.1247A>G on transcript NM_001370466.1 (MANE Select); coding-DNA position 1247, A replaced by G.
Protein change: p.Asn416Ser; replaces asparagine 416 with serine.
Molecular consequence: missense variant. On other transcripts: non-coding transcript variant (1).
Genome position (GRCh38, 1-based): chr16:50,711,239, A>G. VCF-style: chr16-50711239-A-G. GRCh37 (hg19) VCF-style: chr16-50745150-A-G.
Other names: c.1247A>G, p.Asn416Ser (NM_001293557.2); c.1328A>G, p.Asn443Ser (NM_022162.3); short protein forms N416S, N443S.
Identifiers: ClinVar variation 2921987 (VCV002921987.3), dbSNP rs1964475282, ClinGen allele CA395868693.

ClinVar aggregate classification (germline): Uncertain significance (1 of 4 stars; one submission).

Conditions:
Blau syndrome (BLAUS). Also called: GRANULOMATOSIS, FAMILIAL JUVENILE SYSTEMIC; GRANULOMATOSIS, FAMILIAL, BLAU TYPE; GRANULOMATOUS INFLAMMATORY ARTHRITIS, DERMATITIS, AND UVEITIS, FAMILIAL; JABS SYNDROME; ARTHROCUTANEOUVEAL GRANULOMATOSIS. Identifiers: Orphanet 90340, MedGen C5201146, MONDO:0008523, OMIM 186580.
Regional enteritis. Also called: Enteritis, Granulomatous. Identifiers: MedGen C0678202, MeSH D003424.

Submission:

Labcorp Genetics (formerly Invitae), Labcorp
Classification: Uncertain significance for Regional enteritis; Blau syndrome. Last evaluated: 2024-01-06. Review status: criteria provided, single submitter. Criteria: Invitae Variant Classification Sherloc (09022015). Collection method: clinical testing. Allele origin: germline.
Comment: This sequence change replaces asparagine, which is neutral and polar, with serine, which is neutral and polar, at codon 443 of the NOD2 protein (p.Asn443Ser). This variant is not present in population databases (gnomAD no frequency). This variant has not been reported in the literature in individuals affected with NOD2-related conditions. Advanced modeling of protein sequence and biophysical properties (such as structural, functional, and spatial information, amino acid conservation, physicochemical variation, residue mobility, and thermodynamic stability) performed at Invitae indicates that this missense variant is not expected to disrupt NOD2 protein function with a negative predictive value of 95%. In summary, the available evidence is currently insufficient to determine the role of this variant in disease. Therefore, it has been classified as a Variant of Uncertain Significance.